The following is an entry in ClinVar:

ClinVar aggregate classification (germline): Uncertain significance (1 of 4 stars; one submission).

Conditions:
Autosomal recessive severe congenital neutropenia due to CSF3R deficiency. Also called: Neutropenia, severe congenital, 7, autosomal recessive. Identifiers: Orphanet 420702, MedGen C4310764, MONDO:0014865, OMIM 617014.

Allele frequency attached by ClinVar (database versions not stated): ExAC 0.00001.
gnomAD v4.1: 3 of 1,614,194 alleles (0.00019%); highest among the groups gnomAD compares: South Asian, 0.0022%; no homozygotes.

Submission:

Labcorp Genetics (formerly Invitae), Labcorp
Classification: Uncertain significance for Autosomal recessive severe congenital neutropenia due to CSF3R deficiency. Last evaluated: 2025-03-31. Review status: criteria provided, single submitter. Criteria: Invitae Variant Classification Sherloc (09022015). Collection method: clinical testing. Allele origin: germline.
Comment: This sequence change replaces histidine, which is basic and polar, with glutamine, which is neutral and polar, at codon 192 of the CSF3R protein (p.His192Gln). This variant is present in population databases (rs761312181, gnomAD 0.006%). This variant has not been reported in the literature in individuals affected with CSF3R-related conditions. ClinVar contains an entry for this variant (Variation ID: 1713775). Invitae Evidence Modeling of protein sequence and biophysical properties (such as structural, functional, and spatial information, amino acid conservation, physicochemical variation, residue mobility, and thermodynamic stability) indicates that this missense variant is not expected to disrupt CSF3R protein function with a negative predictive value of 80%. In summary, the available evidence is currently insufficient to determine the role of this variant in disease. Therefore, it has been classified as a Variant of Uncertain Significance.

NM_000760.4(CSF3R):c.576C>A (p.His192Gln)

Gene: CSF3R (colony stimulating factor 3 receptor; minus strand). Cytogenetic location: 1p34.3.
Variant type: single nucleotide variant.
Coding change: c.576C>A on transcript NM_000760.4 (MANE Select); coding-DNA position 576, C replaced by A.
Protein change: p.His192Gln; replaces histidine 192 with glutamine.
Molecular consequence: missense variant.
Genome position (GRCh38, 1-based): chr1:36,473,532, G>T on the plus strand (C>A on the coding strand, the complement: CSF3R is on the minus strand). VCF-style: chr1-36473532-G-T. GRCh37 (hg19) VCF-style: chr1-36939133-G-T.
Other names: c.576C>A, p.His192Gln (NM_156039.3, NM_172313.3); short protein forms H192Q.
Identifiers: ClinVar variation 1713775 (VCV001713775.5), dbSNP rs761312181, ClinGen allele CA769428.